The following is an entry in ClinVar:

ClinVar aggregate classification (germline): Pathogenic (1 of 4 stars; one submission).

Conditions:
Joubert syndrome 20 (JBTS20). Identifiers: Orphanet 475, MedGen C3554235, MONDO:0013994, OMIM 614970.
Meckel syndrome, type 11 (MKS11). Identifiers: Orphanet 564, MedGen C3809352, MONDO:0014164, OMIM 615397.

Submission:

Labcorp Genetics (formerly Invitae), Labcorp
Classification: Pathogenic for Joubert syndrome 20; Meckel syndrome, type 11. Last evaluated: 2017-11-20. Review status: criteria provided, single submitter. Criteria: Invitae Variant Classification Sherloc (09022015). Collection method: clinical testing. Allele origin: germline.
Comment: This variant is a gross deletion of the genomic region encompassing exons 3-6 of the TMEM231 gene. The 5' boundary is likely confined to intron 2. The 3' end of this event is unknown as it extends through the termination codon beyond the assayed region for this gene and may encompass additional genes. While this deletion is not anticipated to result in nonsense mediated decay, it is expected to create a truncated protein product or disrupt mRNA translation. This variant has been observed in trans with a pathogenic TMEM231 variant in multiple affected individuals in a family with TMEM231-related disease (Invitae). A missense substitution in exon 4 (p.Asp262Asn) has been determined to be pathogenic (PMID: 23012439, 27449316). This suggests that the aspartic acid residue is critical for TMEM231 protein function, and that variants that disrupt this residue, including this deletion, may also be pathogenic. For these reasons, this variant has been classified as Pathogenic.

Literature cited by the submitters: PubMed 23012439; PubMed 27449316.

NC_000016.10:g.(?_75539974)_(75545515_?)del

Gene: TMEM231 (transmembrane protein 231; minus strand). Cytogenetic location: 16q23.1.
Variant type: Deletion.
Identifiers: ClinVar variation 473319 (VCV000473319.1).